The following is an entry in ClinVar:

NM_005228.5(EGFR):c.1661A>G (p.Glu554Gly)

Gene: EGFR (epidermal growth factor receptor; plus strand). Cytogenetic location: 7p11.2.
Variant type: single nucleotide variant.
Coding change: c.1661A>G on transcript NM_005228.5 (MANE Select); coding-DNA position 1661, A replaced by G.
Protein change: p.Glu554Gly; replaces glutamic acid 554 with glycine.
Molecular consequence: missense variant.
Genome position (GRCh38, 1-based): chr7:55,163,762, A>G. VCF-style: chr7-55163762-A-G. GRCh37 (hg19) VCF-style: chr7-55231455-A-G.
Other names: c.1526A>G, p.Glu509Gly (NM_001346897.2, NM_001346899.2); c.1661A>G, p.Glu554Gly (NM_001346898.2, NM_201282.2, NM_201284.2); c.1502A>G, p.Glu501Gly (NM_001346900.2); c.860A>G, p.Glu287Gly (NM_001346941.2); short protein forms E509G, E287G, E501G, E554G.
Identifiers: ClinVar variation 955078 (VCV000955078.8), dbSNP rs779741928, ClinGen allele CA4265653.

ClinVar aggregate classification (germline): Uncertain significance. Review status: criteria provided, multiple submitters, no conflicts (2 of 4 stars). 2 submissions from 2 submitters: Uncertain significance (2). Last evaluated 2026-01-05.

Conditions:
EGFR-related lung cancer (EGFR). Identifiers: MedGen CN130014.
Lung adenocarcinoma. Also called: Adenocarcinoma of lung; Adenocarcinoma of lung, somatic. Identifiers: MedGen C0152013, MeSH D000077192, MONDO:0005061, HP:0030078.

Allele frequency attached by ClinVar (database versions not stated): gnomAD exomes below 0.00001 and 0.00001; ExAC 0.00001.
gnomAD v4.1: 21 of 1,614,216 alleles (0.0013%); highest among the groups gnomAD compares: Non-Finnish European, 0.0016%; no homozygotes.

Submissions (2):

Labcorp Genetics (formerly Invitae), Labcorp
Classification: Uncertain significance for EGFR-related lung cancer. Last evaluated: 2026-01-05. Review status: criteria provided, single submitter. Criteria: Invitae Variant Classification Sherloc (09022015). Collection method: clinical testing. Allele origin: germline.
Comment: This sequence change replaces glutamic acid, which is acidic and polar, with glycine, which is neutral and non-polar, at codon 554 of the EGFR protein (p.Glu554Gly). This variant is present in population databases (rs779741928, gnomAD 0.0009%). This variant has not been reported in the literature in individuals affected with EGFR-related conditions. ClinVar contains an entry for this variant (Variation ID: 955078). Invitae Evidence Modeling of protein sequence and biophysical properties (such as structural, functional, and spatial information, amino acid conservation, physicochemical variation, residue mobility, and thermodynamic stability) indicates that this missense variant is not expected to disrupt EGFR protein function with a negative predictive value of 80%. In summary, the available evidence is currently insufficient to determine the role of this variant in disease. Therefore, it has been classified as a Variant of Uncertain Significance.

Liquid Biopsy and Cancer Interception Group, Pfizer-University of Granada-Junta de Andalucía Centre for Genomics and Oncological Research
Classification: Uncertain significance for Lung adenocarcinoma. Last evaluated: 2022-06-06. Review status: criteria provided, single submitter. Criteria: AMP Guidelines, 2017. Collection method: research. Allele origin: somatic. Affected: yes. Observed: 1 variant allele.